The following is an entry in ClinVar:

NM_001077418.3(TMEM231):c.-40C>G

Gene: TMEM231 (transmembrane protein 231; minus strand). Cytogenetic location: 16q23.1.
Variant type: single nucleotide variant.
Coding change: c.-40C>G on transcript NM_001077418.3 (MANE Select); 40 bases upstream of the start codon, C replaced by G.
Molecular consequence: 5 prime UTR variant. On other transcripts: missense variant (1), non-coding transcript variant (1).
Genome position (GRCh38, 1-based): chr16:75,556,249, G>C on the plus strand (C>G on the coding strand, the complement: TMEM231 is on the minus strand). VCF-style: chr16-75556249-G-C. GRCh37 (hg19) VCF-style: chr16-75590147-G-C.
Other names: c.23C>G, p.Thr8Ser (NM_001077416.2); short protein forms T8S.
Identifiers: ClinVar variation 419048 (VCV000419048.14), dbSNP rs114889548, ClinGen allele CA8176335.

ClinVar aggregate classification (germline): Benign/Likely benign. Review status: criteria provided, multiple submitters, no conflicts (2 of 4 stars). 5 submissions from 5 submitters: Benign (1); Likely benign (3). 1 of the submissions does not count toward it. Last evaluated 2026-02-01.

Conditions:
Meckel syndrome, type 11 (MKS11). Identifiers: Orphanet 564, MedGen C3809352, MONDO:0014164, OMIM 615397.
Joubert syndrome 20 (JBTS20). Identifiers: Orphanet 475, MedGen C3554235, MONDO:0013994, OMIM 614970.
TMEM231-related disorder. Also called: TMEM231-related condition.

Allele frequency attached by ClinVar (database versions not stated): gnomAD exomes 0.00013 and 0.00036; ExAC 0.00069; ESP Exome Variant Server 0.00117; 1000 Genomes Project 0.00140; 1000 Genomes Project 30x 0.00156; gnomAD 0.00165 and 0.00177; TOPMed 0.00179.
gnomAD v4.1: 427 of 1,392,088 alleles (0.031%); highest among the groups gnomAD compares: African/African-American, 0.58%; no homozygotes.

Submissions (5):

Labcorp Genetics (formerly Invitae), Labcorp
Classification: Likely benign for Joubert syndrome 20; Meckel syndrome, type 11. Last evaluated: 2026-02-01. Review status: criteria provided, single submitter. Criteria: Invitae Variant Classification Sherloc (09022015). Collection method: clinical testing. Allele origin: germline.

Blueprint Genetics
Classification: Benign. Last evaluated: 2024-10-10. Review status: criteria provided, single submitter. Criteria: ACMG Guidelines, 2015. Collection method: clinical testing. Allele origin: germline.

GeneDx
Classification: Likely benign. Last evaluated: 2020-09-02. Review status: criteria provided, single submitter. Criteria: GeneDx Variant Classification Process June 2021. Collection method: clinical testing. Allele origin: germline. Affected: yes.

Eurofins Ntd Llc (ga)
Classification: Likely benign. Last evaluated: 2017-04-04. Review status: criteria provided, single submitter. Criteria: EGL Classification Definitions 2015. Collection method: clinical testing. Allele origin: germline. Observed: 1 variant allele, 1 heterozygote.

PreventionGenetics, part of Exact Sciences
Classification: Likely benign for TMEM231-related condition. Last evaluated: 2019-10-28. Review status: no assertion criteria provided. Collection method: clinical testing. Allele origin: germline. Not counted in ClinVar's aggregate classification.
Comment: This variant is classified as likely benign based on ACMG/AMP sequence variant interpretation guidelines (Richards et al. 2015 PMID: 25741868, with internal and published modifications).